The following is an entry in ClinVar:

ClinVar aggregate classification (germline): Likely pathogenic (1 of 4 stars; one submission).

Submission:

Labcorp Genetics (formerly Invitae), Labcorp
Classification: Likely pathogenic. Last evaluated: 2024-10-24. Review status: criteria provided, single submitter. Criteria: Invitae Variant Classification Sherloc (09022015). Collection method: clinical testing. Allele origin: germline.
Comment: This sequence change affects a donor splice site in intron 6 of the ESRRB gene. It is expected to disrupt RNA splicing. Variants that disrupt the donor or acceptor splice site typically lead to a loss of protein function (PMID: 16199547), and loss-of-function variants in ESRRB are known to be pathogenic (PMID: 18179891). This variant is not present in population databases (gnomAD no frequency). This variant has not been reported in the literature in individuals affected with ESRRB-related conditions. Algorithms developed to predict the effect of sequence changes on RNA splicing suggest that this variant may disrupt the consensus splice site. In summary, the currently available evidence indicates that the variant is pathogenic, but additional data are needed to prove that conclusively. Therefore, this variant has been classified as Likely Pathogenic.

Literature cited by the submitters: PubMed 16199547; PubMed 18179891.

NM_001379180.1(ESRRB):c.688+1G>A

Gene: ESRRB (estrogen related receptor beta; plus strand). Cytogenetic location: 14q24.3.
Variant type: single nucleotide variant.
Coding change: c.688+1G>A on transcript NM_001379180.1 (MANE Select); the canonical splice donor site of the intron after coding-DNA position 688, G replaced by A.
Molecular consequence: splice donor variant.
Genome position (GRCh38, 1-based): chr14:76,482,127, G>A. VCF-style: chr14-76482127-G-A. GRCh37 (hg19) VCF-style: chr14-76948470-G-A.
Other names: c.640+1G>A (NM_001411038.1); c.625+1G>A (NM_004452.4).
Identifiers: ClinVar variation 2719517 (VCV002719517.3), dbSNP rs2503913559, ClinGen allele CA390478411.